The following is an entry in ClinVar:

NM_015346.4(ZFYVE26):c.1436-1G>A

Gene: ZFYVE26 (zinc finger FYVE-type containing 26; minus strand). Cytogenetic location: 14q24.1.
Variant type: single nucleotide variant.
Coding change: c.1436-1G>A on transcript NM_015346.4 (MANE Select); the canonical splice acceptor site of the intron before coding-DNA position 1436, G replaced by A.
Molecular consequence: splice acceptor variant.
Genome position (GRCh38, 1-based): chr14:67,802,283, C>T on the plus strand (G>A on the coding strand, the complement: ZFYVE26 is on the minus strand). VCF-style: chr14-67802283-C-T. GRCh37 (hg19) VCF-style: chr14-68269000-C-T.
Identifiers: ClinVar variation 554340 (VCV000554340.9), dbSNP rs545219731, ClinGen allele CA7240517.

ClinVar aggregate classification (germline): Conflicting classifications of pathogenicity. Review status: criteria provided, conflicting classifications (1 of 4 stars). 3 submissions from 3 submitters: Likely pathogenic (1); Uncertain significance (1). 1 of the submissions does not count toward it. Last evaluated 2024-03-12.

Conditions:
Spastic paraplegia. Identifiers: MedGen C0037772, HP:0001258.
Hereditary spastic paraplegia 15 (SPG15). Also called: SPASTIC PARAPLEGIA AND RETINAL DEGENERATION; KJELLIN SYNDROME; SPASTIC PARAPLEGIA 15, AUTOSOMAL RECESSIVE. Identifiers: Orphanet 100996, MedGen C1849128, MONDO:0010044, OMIM 270700.

Allele frequency attached by ClinVar (database versions not stated): gnomAD below 0.00001 and 0.00001; gnomAD exomes below 0.00001 and 0.00001; ExAC 0.00001; 1000 Genomes Project 0.00040; 1000 Genomes Project 30x 0.00047.
gnomAD v4.1: 10 of 1,614,098 alleles (0.00062%); highest among the groups gnomAD compares: South Asian, 0.0099%; no homozygotes.

Submissions (3):

Labcorp Genetics (formerly Invitae), Labcorp
Classification: Likely pathogenic for Spastic paraplegia. Last evaluated: 2024-03-12. Review status: criteria provided, single submitter. Criteria: Invitae Variant Classification Sherloc (09022015). Collection method: clinical testing. Allele origin: germline.
Comment: This sequence change affects an acceptor splice site in intron 9 of the ZFYVE26 gene. It is expected to disrupt RNA splicing. Variants that disrupt the donor or acceptor splice site typically lead to a loss of protein function (PMID: 16199547), and loss-of-function variants in ZFYVE26 are known to be pathogenic (PMID: 18394578, 19805727). This variant is present in population databases (rs545219731, gnomAD 0.003%). This variant has not been reported in the literature in individuals affected with ZFYVE26-related conditions. ClinVar contains an entry for this variant (Variation ID: 554340). Algorithms developed to predict the effect of sequence changes on RNA splicing suggest that this variant may disrupt the consensus splice site. In summary, the currently available evidence indicates that the variant is pathogenic, but additional data are needed to prove that conclusively. Therefore, this variant has been classified as Likely Pathogenic.

Juno Genomics, Hangzhou Juno Genomics, Inc
Classification: Uncertain significance for Hereditary spastic paraplegia 15. Review status: criteria provided, single submitter. Criteria: ACMG Guidelines, 2015. Collection method: clinical testing. Allele origin: germline.
Comment: Null variant in a gene where loss of function (LOF) is a known mechanism of disease.;Absent from controls (or at extremely low frequency if recessive) in Genome Aggregation Database.

Counsyl
Classification: Likely pathogenic for Hereditary spastic paraplegia 15. Last evaluated: 2017-10-16. Review status: no assertion criteria provided. Collection method: clinical testing. Allele origin: unknown. Not counted in ClinVar's aggregate classification.

Literature cited by the submitters: PubMed 16199547 (cited by Labcorp Genetics (formerly Invitae), Labcorp); PubMed 18394578 (cited by Labcorp Genetics (formerly Invitae), Labcorp); PubMed 19805727 (cited by Labcorp Genetics (formerly Invitae), Labcorp).